The following is an entry in ClinVar:

NM_001363711.2(DUOX2):c.3475CTG[1] (p.Leu1160del)

Gene: DUOX2 (dual oxidase 2; minus strand). Cytogenetic location: 15q21.1.
Variant type: Microsatellite.
Coding change: c.3475CTG[1] on transcript NM_001363711.2 (MANE Select); one copy of the 3-base unit CTG starting at c.3475; the reference has two copies in a row; one copy, 3 bases deleted; also written c.3478_3480del.
Protein change: p.Leu1160del; deletes leucine 1160.
Molecular consequence: inframe deletion.
Genome position (GRCh38, 1-based): chr15:45,099,418-45,099,420, CAG deleted on the plus strand (CTG on the coding strand, the reverse complement: DUOX2 is on the minus strand); deleting any 3 consecutive bases within chr15:45,099,418-45,099,423 gives the same sequence; the position shown is the placement nearest the transcript's 3' end. VCF-style (leftmost placement, unchanged base first): chr15-45099417-CCAG-C. GRCh37 (hg19) VCF-style: chr15-45391615-CCAG-C.
Other names: c.3478_3480delCTG (NM_014080.4); c.3478_3480del (NM_014080.4, NM_001363711.2); c.3475CTG[1], p.Leu1160del (NM_014080.5); short protein forms L1160del.
Identifiers: ClinVar variation 2725056 (VCV002725056.13), dbSNP rs758318135, ClinGen allele CA7537861.

ClinVar aggregate classification (germline): Pathogenic/Likely pathogenic. Review status: criteria provided, multiple submitters, no conflicts (2 of 4 stars). 6 submissions from 6 submitters: Pathogenic (5); Likely pathogenic (1). Last evaluated 2026-06-01.

Conditions:
Inborn genetic diseases. Identifiers: MedGen C0950123, MeSH D030342.
Thyroid dyshormonogenesis 6 (TDH6). Also called: Genetic transient congenital hypothyroidism; THYROID HORMONOGENESIS, GENETIC DEFECT IN, 6; HYPOTHYROIDISM, CONGENITAL, DUE TO DYSHORMONOGENESIS, 6. Identifiers: Orphanet 226316, Orphanet 95716, MedGen C1846632, MONDO:0011792, OMIM 607200.

Submissions (6):

Ambry Genetics
Classification: Pathogenic for Inborn genetic diseases. Last evaluated: 2026-06-01. Review status: criteria provided, single submitter. Criteria: Ambry Variant Classification Scheme 2023. Collection method: clinical testing. Allele origin: germline.
Comment: The c.3478_3480delCTG (p.L1160del) variant, located in exon 26 (coding exon 25) of the DUOX2 gene, results from an in-frame deletion of 3 nucleotides at positions c.3478 to c.3480. This results in the deletion of a leucine (L) residue at codon 1160. Based on data from gnomAD, the c.3478_3480delCTG (p.L1160del) variant has an overall frequency of 0.003% (7/251386) total alleles studied. The highest observed frequency was 0.038% (7/18392) of East Asian alleles. This variant has been identified in the homozygous state and/or in conjunction with other DUOX2 variant(s) in individual(s) with features consistent with DUOX2-related thyroid dyshormonogenesis; in at least one instance, the variants were identified in trans (Narumi, 2011; Maruo, 2016; Long, 2021; Sun, 2021; Liu, 2022; Zhang, 2023). This amino acid position is well conserved in available vertebrate species. This variant is predicted to be deleterious by in silico analysis (Choi, 2012). Based on the available evidence, this alteration is classified as pathogenic.

3billion
Classification: Pathogenic for Thyroid dyshormonogenesis 6. Last evaluated: 2025-12-22. Review status: criteria provided, single submitter. Criteria: ACMG Guidelines, 2015. Collection method: clinical testing. Allele origin: germline. Inheritance: Autosomal recessive inheritance. Affected: yes.
Comment: The variant is observed at an extremely low frequency in the gnomAD v4.1.0 dataset (total allele frequency: 0.002%). Inframe deletion located in a nonrepeat region: predicted to change the length of the protein and disrupt normal protein function. Functional studies provide strong evidence of the variant having a damaging effect on the gene or gene product (PMID: 21900383). The variant has been reported to be in trans with a pathogenic variant as either compound heterozygous or homozygous in at least 2 similarly affected unrelated individuals (PMID: 21900383, 27166716, 34539567). The variant has been reported at least twice as pathogenic with clinical assertions and evidence for the classification (ClinVar ID: VCV002725056.9 / PMID: 21900383 / 3billion dataset).Therefore, this variant is classified as Pathogenic (PS3_S, PM2_M, PM3_S, PM4_M, PP5_S) according to the recommendation of ACMG/AMP guideline.

GeneDx
Classification: Likely pathogenic. Last evaluated: 2024-11-15. Review status: criteria provided, single submitter. Criteria: GeneDx Variant Classification Process June 2021. Collection method: clinical testing. Allele origin: germline. Affected: yes.
Comment: Published functional studies demonstrate a damaging effect on enzyme activity (PMID: 21900383, 34564849); In silico analysis supports a deleterious effect on protein structure/function; In-frame deletion of 1 amino acid in a non-repeat region; This variant is associated with the following publications: (PMID: 30154845, 34564849, 21900383, 26565538, 27108200, 34246755, 34539567, 34200080, 26742565, 27166716, 32469330, 38105685, 32459320, 33310921, LiuS2023[Preprint], 30420871, 34234053, 26709262, 36555929)

Fulgent Genetics
Classification: Pathogenic for Thyroid dyshormonogenesis 6. Last evaluated: 2024-03-01. Review status: criteria provided, single submitter. Criteria: ACMG Guidelines, 2015. Collection method: clinical testing. Allele origin: germline.

Labcorp Genetics (formerly Invitae), Labcorp
Classification: Pathogenic. Last evaluated: 2024-01-02. Review status: criteria provided, single submitter. Criteria: Invitae Variant Classification Sherloc (09022015). Collection method: clinical testing. Allele origin: germline.
Comment: This variant, c.3478_3480del, results in the deletion of 1 amino acid(s) of the DUOX2 protein (p.Leu1160del), but otherwise preserves the integrity of the reading frame. This variant is present in population databases (rs758318135, gnomAD 0.04%). This variant has been observed in individual(s) with clinical features of thyroid dyshormonogenesis (PMID: 21900383, 26565538, 27166716, 34539567). In at least one individual the data is consistent with being in trans (on the opposite chromosome) from a pathogenic variant. Algorithms developed to predict the effect of variants on protein structure and function are not available or were not evaluated for this variant. Experimental studies have shown that this variant affects DUOX2 function (PMID: 21900383). Algorithms developed to predict the effect of sequence changes on RNA splicing suggest that this variant may disrupt the consensus splice site. For these reasons, this variant has been classified as Pathogenic.

Juno Genomics, Hangzhou Juno Genomics, Inc
Classification: Pathogenic for Thyroid dyshormonogenesis 6. Review status: criteria provided, single submitter. Criteria: ACMG Guidelines, 2015. Collection method: clinical testing. Allele origin: germline.
Comment: Absent from controls (or at extremely low frequency if recessive) in Genome Aggregation Database.;Well-established in vitro or in vivo functional studies supportive of a damaging effect on the gene or gene product.;For recessive disorders, detected in trans with a pathogenic variant.;Protein length changes due to in-frame deletions/insertions in a non-repeat region or stop-loss variants.

Literature cited by the submitters: PubMed 21900383 (cited by 3 submitters); PubMed 26742565 (cited by Ambry Genetics); PubMed 33310921 (cited by Ambry Genetics); PubMed 34539567 (cited by 3 submitters); PubMed 34564849 (cited by Ambry Genetics); PubMed 36555929 (cited by Ambry Genetics); PubMed 37390946 (cited by Ambry Genetics); PubMed 27166716 (cited by 3billion and Labcorp Genetics (formerly Invitae), Labcorp); PubMed 26565538 (cited by Labcorp Genetics (formerly Invitae), Labcorp).